The following is an entry in ClinVar:

ClinVar aggregate classification (germline): Uncertain significance. Review status: criteria provided, multiple submitters, no conflicts (2 of 4 stars). 2 submissions from 2 submitters: Uncertain significance (2). Last evaluated 2024-06-18.

Conditions:
Colorectal cancer, susceptibility to, 1. Also called: COLORECTAL ADENOMA AND CANCER, SUSCEPTIBILITY TO; COLORECTAL CANCER, SUSCEPTIBILITY TO, ON CHROMOSOME 9. Identifiers: MedGen C1837315, MONDO:0012132, OMIM 608812.

Allele frequency attached by ClinVar (database versions not stated): gnomAD exomes below 0.00001.
gnomAD v4.1: 1 of 1,004,826 alleles (0.0001%); highest among the groups gnomAD compares: Non-Finnish European, 0.00012%; no homozygotes.

Submissions (2):

Fulgent Genetics
Classification: Uncertain significance for Colorectal cancer, susceptibility to, 1. Last evaluated: 2024-06-18. Review status: criteria provided, single submitter. Criteria: ACMG Guidelines, 2015. Collection method: clinical testing. Allele origin: germline.

Labcorp Genetics (formerly Invitae), Labcorp
Classification: Uncertain significance. Last evaluated: 2021-12-20. Review status: criteria provided, single submitter. Criteria: Invitae Variant Classification Sherloc (09022015). Collection method: clinical testing. Allele origin: germline.
Comment: In summary, the available evidence is currently insufficient to determine the role of this variant in disease. Therefore, it has been classified as a Variant of Uncertain Significance. Algorithms developed to predict the effect of missense changes on protein structure and function are either unavailable or do not agree on the potential impact of this missense change (SIFT: "Tolerated"; PolyPhen-2: "Not Available"; Align-GVGD: "Class C0"). This variant has not been reported in the literature in individuals affected with GALNT12-related conditions. The frequency data for this variant in the population databases is considered unreliable, as metrics indicate insufficient coverage at this position in the gnomAD database. This sequence change replaces proline, which is neutral and non-polar, with threonine, which is neutral and polar, at codon 52 of the GALNT12 protein (p.Pro52Thr).

NM_024642.5(GALNT12):c.154C>A (p.Pro52Thr)

Gene: GALNT12 (polypeptide N-acetylgalactosaminyltransferase 12; plus strand). Cytogenetic location: 9q22.33.
Variant type: single nucleotide variant.
Coding change: c.154C>A on transcript NM_024642.5 (MANE Select); coding-DNA position 154, C replaced by A.
Protein change: p.Pro52Thr; replaces proline 52 with threonine.
Molecular consequence: missense variant.
Genome position (GRCh38, 1-based): chr9:98,807,852, C>A. VCF-style: chr9-98807852-C-A. GRCh37 (hg19) VCF-style: chr9-101570134-C-A.
Other names: short protein forms P52T.
Identifiers: ClinVar variation 1986909 (VCV001986909.5), dbSNP rs980755584, ClinGen allele CA374222418.